The following is an entry in ClinVar:

NM_001966.4(EHHADH):c.1652G>A (p.Arg551Gln)

Gene: EHHADH (enoyl-CoA hydratase and 3-hydroxyacyl CoA dehydrogenase; minus strand). Cytogenetic location: 3q27.2.
Variant type: single nucleotide variant.
Coding change: c.1652G>A on transcript NM_001966.4 (MANE Select); coding-DNA position 1652, G replaced by A.
Protein change: p.Arg551Gln; replaces arginine 551 with glutamine.
Molecular consequence: missense variant.
Genome position (GRCh38, 1-based): chr3:185,192,746, C>T on the plus strand (G>A on the coding strand, the complement: EHHADH is on the minus strand). VCF-style: chr3-185192746-C-T. GRCh37 (hg19) VCF-style: chr3-184910534-C-T.
Other names: p.Arg551Gln; c.1364G>A, p.Arg455Gln (NM_001166415.2); c.1652G>A (NM_001966.3); short protein forms R455Q, R551Q.
Identifiers: ClinVar variation 2682853 (VCV002682853.3), dbSNP rs145907786, ClinGen allele CA2738940.
Genomic context (GRCh38, chr3:185,192,746, plus strand): 5'-AATCGTCCTAATTCACAGAGCACATCAGGAATTGGGCAGTACCTCCTATTACCCCTTTTT[C>T]GGGCAGGAGTTCCTGGAAGCAATGTAGGTCCAGTAAGACCTTGCCCCTTTCTAGATTTCC-3'
Protein context (NP_001957.2, residues 541-561): GPTLLPGTPA[Arg551Gln]KRGNRRYCPI

ClinVar aggregate classification (germline): Uncertain significance. Review status: criteria provided, single submitter (1 of 4 stars). 2 submissions from 2 submitters: Uncertain significance (1). 1 of the submissions does not count toward it. Last evaluated 2022-11-03.

Conditions:
EHHADH-related disorder. Also called: EHHADH-related condition.

Allele frequency attached by ClinVar (database versions not stated): ESP Exome Variant Server 0.00008; ExAC 0.00014; 1000 Genomes Project 30x 0.00031; TOPMed 0.00032; gnomAD 0.00034; 1000 Genomes Project 0.00040.
gnomAD v4.1: 192 of 1,613,830 alleles (0.012%); highest among the groups gnomAD compares: African/African-American, 0.12%; no homozygotes.

Submissions (2):

Mayo Clinic Laboratories, Mayo Clinic
Classification: Uncertain significance. Last evaluated: 2022-11-03. Review status: criteria provided, single submitter. Criteria: ACMG Guidelines, 2015. Collection method: clinical testing. Allele origin: germline. Observed: 1 variant allele.
Comment: BS2

PreventionGenetics, part of Exact Sciences
Classification: Likely benign for EHHADH-related condition. Last evaluated: 2022-09-22. Review status: no assertion criteria provided. Collection method: clinical testing. Allele origin: germline. Not counted in ClinVar's aggregate classification.
Comment: This variant is classified as likely benign based on ACMG/AMP sequence variant interpretation guidelines (Richards et al. 2015 PMID: 25741868, with internal and published modifications).